The following is an entry in ClinVar:

ClinVar aggregate classification (germline): Uncertain significance (1 of 4 stars; one submission).

gnomAD v4.1: 2 of 1,548,612 alleles (0.00013%); highest among the groups gnomAD compares: Non-Finnish European, 0.00017%; no homozygotes.

Submission:

Labcorp Genetics (formerly Invitae), Labcorp
Classification: Uncertain significance. Last evaluated: 2021-01-04. Review status: criteria provided, single submitter. Criteria: Invitae Variant Classification Sherloc (09022015). Collection method: clinical testing. Allele origin: germline.
Comment: This variant is not present in population databases (ExAC no frequency). This variant has not been reported in the literature in individuals with CPLANE1-related conditions. This sequence change replaces cysteine with glycine at codon 956 of the CPLANE1 protein (p.Cys956Gly). The cysteine residue is weakly conserved and there is a large physicochemical difference between cysteine and glycine. Advanced modeling of protein sequence and biophysical properties (such as structural, functional, and spatial information, amino acid conservation, physicochemical variation, residue mobility, and thermodynamic stability) performed at Invitae indicates that this missense variant is not expected to disrupt CPLANE1 protein function. In summary, the available evidence is currently insufficient to determine the role of this variant in disease. Therefore, it has been classified as a Variant of Uncertain Significance.

NM_001384732.1(CPLANE1):c.2866T>G (p.Cys956Gly)

Gene: CPLANE1 (ciliogenesis and planar polarity effector complex subunit 1; minus strand). Cytogenetic location: 5p13.2.
Variant type: single nucleotide variant.
Coding change: c.2866T>G on transcript NM_001384732.1 (MANE Select); coding-DNA position 2866, T replaced by G.
Protein change: p.Cys956Gly; replaces cysteine 956 with glycine.
Molecular consequence: missense variant.
Genome position (GRCh38, 1-based): chr5:37,213,613, A>C on the plus strand (T>G on the coding strand, the complement: CPLANE1 is on the minus strand). VCF-style: chr5-37213613-A-C. GRCh37 (hg19) VCF-style: chr5-37213715-A-C.
Other names: c.2866T>G, p.Cys956Gly (NM_023073.4); short protein forms C956G.
Identifiers: ClinVar variation 1362717 (VCV001362717.8), dbSNP rs2150247879, ClinGen allele CA359483704.